The following is an entry in ClinVar:

NM_032444.4(SLX4):c.208G>C (p.Val70Leu)

Gene: SLX4 (SLX4 structure-specific endonuclease subunit; minus strand). Cytogenetic location: 16p13.3.
Variant type: single nucleotide variant.
Coding change: c.208G>C on transcript NM_032444.4 (MANE Select); coding-DNA position 208, G replaced by C.
Protein change: p.Val70Leu; replaces valine 70 with leucine.
Molecular consequence: missense variant.
Genome position (GRCh38, 1-based): chr16:3,608,757, C>G on the plus strand (G>C on the coding strand, the complement: SLX4 is on the minus strand). VCF-style: chr16-3608757-C-G. GRCh37 (hg19) VCF-style: chr16-3658758-C-G.
Other names: short protein forms V70L.
Identifiers: ClinVar variation 2829955 (VCV002829955.3), dbSNP rs2151139666, ClinGen allele CA394547716.

ClinVar aggregate classification (germline): Uncertain significance (1 of 4 stars; one submission).

Conditions:
Fanconi anemia (FA). Also called: Fanconi's anemia. Identifiers: Orphanet 84, MedGen C0015625, MeSH D005199, MONDO:0019391.

Submission:

Labcorp Genetics (formerly Invitae), Labcorp
Classification: Uncertain significance for Fanconi anemia. Last evaluated: 2023-07-11. Review status: criteria provided, single submitter. Criteria: Invitae Variant Classification Sherloc (09022015). Collection method: clinical testing. Allele origin: germline.
Comment: This sequence change replaces valine, which is neutral and non-polar, with leucine, which is neutral and non-polar, at codon 70 of the SLX4 protein (p.Val70Leu). This variant is not present in population databases (gnomAD no frequency). In summary, the available evidence is currently insufficient to determine the role of this variant in disease. Therefore, it has been classified as a Variant of Uncertain Significance. Algorithms developed to predict the effect of missense changes on protein structure and function output the following: SIFT: "Not Available"; PolyPhen-2: "Benign"; Align-GVGD: "Not Available". The leucine amino acid residue is found in multiple mammalian species, which suggests that this missense change does not adversely affect protein function. This variant has not been reported in the literature in individuals affected with SLX4-related conditions.